The following is an entry in ClinVar:

ClinVar aggregate classification (germline): Uncertain significance (1 of 4 stars; one submission).

Conditions:
Alstrom syndrome (ALMS). Identifiers: Orphanet 64, MedGen C0268425, MONDO:0008763, OMIM 203800.

gnomAD v4.1: 1 of 1,614,202 alleles (0.000062%); highest among the groups gnomAD compares: East Asian, 0.0022%; no homozygotes.

Submission:

Labcorp Genetics (formerly Invitae), Labcorp
Classification: Uncertain significance for Alstrom syndrome. Last evaluated: 2025-06-16. Review status: criteria provided, single submitter. Criteria: Invitae Variant Classification Sherloc (09022015). Collection method: clinical testing. Allele origin: germline.
Comment: This sequence change replaces proline, which is neutral and non-polar, with serine, which is neutral and polar, at codon 3984 of the ALMS1 protein (p.Pro3984Ser). This variant is not present in population databases (gnomAD no frequency). This variant has not been reported in the literature in individuals affected with ALMS1-related conditions. Experimental studies and prediction algorithms are not available or were not evaluated, and the functional significance of this variant is currently unknown. In summary, the available evidence is currently insufficient to determine the role of this variant in disease. Therefore, it has been classified as a Variant of Uncertain Significance.

NM_001378454.1(ALMS1):c.11947C>T (p.Pro3983Ser)

Genes: ALMS1 (ALMS1 centrosome and basal body associated protein; plus strand), LOC126806252 (BRD4-independent group 4 enhancer GRCh37_chr2:73828496-73829695; plus strand). Cytogenetic location: 2p13.1.
Variant type: single nucleotide variant.
Coding change: c.11947C>T on transcript NM_001378454.1 (MANE Select); coding-DNA position 11947, C replaced by T.
Protein change: p.Pro3983Ser; replaces proline 3983 with serine.
Molecular consequence: missense variant.
Genome position (GRCh38, 1-based): chr2:73,601,269, C>T. VCF-style: chr2-73601269-C-T. GRCh37 (hg19) VCF-style: chr2-73828396-C-T.
Other names: c.11950C>T, p.Pro3984Ser (NM_015120.4); short protein forms P3983S, P3984S.
Identifiers: ClinVar variation 4811019 (VCV004811019.1).